The following is an entry in ClinVar:

ClinVar aggregate classification (germline): Uncertain significance (1 of 4 stars; one submission).

Allele frequency attached by ClinVar (database versions not stated): TOPMed below 0.00001.

Submission:

Labcorp Genetics (formerly Invitae), Labcorp
Classification: Uncertain significance. Last evaluated: 2022-11-02. Review status: criteria provided, single submitter. Criteria: Invitae Variant Classification Sherloc (09022015). Collection method: clinical testing. Allele origin: germline.
Comment: In summary, the available evidence is currently insufficient to determine the role of this variant in disease. Therefore, it has been classified as a Variant of Uncertain Significance. Advanced modeling of protein sequence and biophysical properties (such as structural, functional, and spatial information, amino acid conservation, physicochemical variation, residue mobility, and thermodynamic stability) performed at Invitae indicates that this missense variant is not expected to disrupt NBEA protein function. This variant has not been reported in the literature in individuals affected with NBEA-related conditions. This variant is not present in population databases (gnomAD no frequency). This sequence change replaces methionine, which is neutral and non-polar, with isoleucine, which is neutral and non-polar, at codon 201 of the NBEA protein (p.Met201Ile).

NM_001385012.1(NBEA):c.603G>A (p.Met201Ile)

Gene: NBEA (neurobeachin; plus strand). Cytogenetic location: 13q13.3.
Variant type: single nucleotide variant.
Coding change: c.603G>A on transcript NM_001385012.1 (MANE Select); coding-DNA position 603, G replaced by A.
Protein change: p.Met201Ile; replaces methionine 201 with isoleucine.
Molecular consequence: missense variant.
Genome position (GRCh38, 1-based): chr13:35,045,023, G>A. VCF-style: chr13-35045023-G-A. GRCh37 (hg19) VCF-style: chr13-35619160-G-A.
Other names: c.603G>A, p.Met201Ile (NM_001379245.1, NM_015678.5); short protein forms M201I.
Identifiers: ClinVar variation 2805896 (VCV002805896.3), dbSNP rs2062795554, ClinGen allele CA387959295.
Genomic context (GRCh38, chr13:35,045,023, plus strand): 5'-GTTGGGGGTTCTTGCCAGCTACAGCATCACTGTCAAGGAGTTGAAGCTTTTGTTCAGCAT[G>A]CTTCGAGGAGAAAGTGGAATCTGGGTAAGCTGTGGTCGGAGGGAAAGGTATTCAGTATCA-3'
Protein context (NP_001371941.1, residues 191-211): TVKELKLLFS[Met201Ile]LRGESGIWPR